The following is an entry in ClinVar:

NM_181458.4(PAX3):c.110G>A (p.Arg37His)

Gene: PAX3 (paired box 3; minus strand). Cytogenetic location: 2q36.1.
Variant type: single nucleotide variant.
Coding change: c.110G>A on transcript NM_181458.4 (MANE Select); coding-DNA position 110, G replaced by A.
Protein change: p.Arg37His; replaces arginine 37 with histidine.
Molecular consequence: missense variant.
Genome position (GRCh38, 1-based): chr2:222,297,189, C>T on the plus strand (G>A on the coding strand, the complement: PAX3 is on the minus strand). VCF-style: chr2-222297189-C-T. GRCh37 (hg19) VCF-style: chr2-223161908-C-T.
Other names: c.110G>A, p.Arg37His (NM_013942.5, NM_181457.4, NM_181459.4 and 4 more transcripts); short protein forms R37H.
Identifiers: ClinVar variation 3652999 (VCV003652999.2).

ClinVar aggregate classification (germline): Uncertain significance (1 of 4 stars; one submission).

Submission:

Labcorp Genetics (formerly Invitae), Labcorp
Classification: Uncertain significance. Last evaluated: 2024-05-22. Review status: criteria provided, single submitter. Criteria: Invitae Variant Classification Sherloc (09022015). Collection method: clinical testing. Allele origin: germline.
Comment: This sequence change replaces arginine, which is basic and polar, with histidine, which is basic and polar, at codon 37 of the PAX3 protein (p.Arg37His). This variant is not present in population databases (gnomAD no frequency). This variant has not been reported in the literature in individuals affected with PAX3-related conditions. Advanced modeling of protein sequence and biophysical properties (such as structural, functional, and spatial information, amino acid conservation, physicochemical variation, residue mobility, and thermodynamic stability) performed at Invitae indicates that this missense variant is expected to disrupt PAX3 protein function with a positive predictive value of 80%. In summary, the available evidence is currently insufficient to determine the role of this variant in disease. Therefore, it has been classified as a Variant of Uncertain Significance.